The following is an entry in ClinVar:

NM_018122.5(DARS2):c.769A>G (p.Arg257Gly)

Gene: DARS2 (aspartyl-tRNA synthetase 2, mitochondrial; plus strand). Cytogenetic location: 1q25.1.
Variant type: single nucleotide variant.
Coding change: c.769A>G on transcript NM_018122.5 (MANE Select); coding-DNA position 769, A replaced by G.
Protein change: p.Arg257Gly; replaces arginine 257 with glycine.
Molecular consequence: missense variant.
Genome position (GRCh38, 1-based): chr1:173,837,045, A>G. VCF-style: chr1-173837045-A-G. GRCh37 (hg19) VCF-style: chr1-173806183-A-G.
Other names: c.769A>G, p.Arg257Gly (NM_001365212.1, NM_001365213.2); short protein forms R257G.
Identifiers: ClinVar variation 1464623 (VCV001464623.3), dbSNP rs1243752219, ClinGen allele CA343762166.

ClinVar aggregate classification (germline): Uncertain significance (1 of 4 stars; one submission).

Allele frequency attached by ClinVar (database versions not stated): gnomAD exomes below 0.00001; TOPMed below 0.00001.

Submission:

Labcorp Genetics (formerly Invitae), Labcorp
Classification: Uncertain significance. Last evaluated: 2022-06-08. Review status: criteria provided, single submitter. Criteria: Invitae Variant Classification Sherloc (09022015). Collection method: clinical testing. Allele origin: germline.
Comment: This sequence change replaces arginine, which is basic and polar, with glycine, which is neutral and non-polar, at codon 257 of the DARS2 protein (p.Arg257Gly). This variant is present in population databases (no rsID available, gnomAD 0.007%). This variant has not been reported in the literature in individuals affected with DARS2-related conditions. Algorithms developed to predict the effect of missense changes on protein structure and function (SIFT, PolyPhen-2, Align-GVGD) all suggest that this variant is likely to be disruptive. In summary, the available evidence is currently insufficient to determine the role of this variant in disease. Therefore, it has been classified as a Variant of Uncertain Significance.